The following is an entry in ClinVar:

NM_001184880.2(PCDH19):c.1538G>T (p.Gly513Val)

Gene: PCDH19 (protocadherin 19; minus strand). Cytogenetic location: Xq22.1.
Variant type: single nucleotide variant.
Coding change: c.1538G>T on transcript NM_001184880.2 (MANE Select); coding-DNA position 1538, G replaced by T.
Protein change: p.Gly513Val; replaces glycine 513 with valine.
Molecular consequence: missense variant.
Genome position (GRCh38, 1-based): chrX:100,407,060, C>A on the plus strand (G>T on the coding strand, the complement: PCDH19 is on the minus strand). VCF-style: chrX-100407060-C-A. GRCh37 (hg19) VCF-style: chrX-99662058-C-A.
Other names: c.1538G>T, p.Gly513Val (NM_001105243.2, NM_020766.3); short protein forms G513V.
Identifiers: ClinVar variation 955905 (VCV000955905.12), dbSNP rs1928380918, ClinGen allele CA414002510.

ClinVar aggregate classification (germline): Conflicting classifications of pathogenicity. Review status: criteria provided, conflicting classifications (1 of 4 stars). 2 submissions from 2 submitters: Likely pathogenic (1); Uncertain significance (1). Last evaluated 2024-09-21.

Conditions:
Developmental and epileptic encephalopathy, 9 (DEE9). Also called: Early infantile epileptic encephalopathy 9; EPILEPSY, FEMALE-RESTRICTED, WITH MENTAL RETARDATION; JUBERG-HELLMAN SYNDROME; PCDH19-Related X-Linked Female-Limited Epilepsy with Mental Retardation. Identifiers: Orphanet 101039, Orphanet 2076, MedGen C1848137, MONDO:0010246, OMIM 300088. Disease mechanism: loss of function.

Submissions (2):

Victorian Clinical Genetics Services, Murdoch Childrens Research Institute
Classification: Likely pathogenic for Developmental and epileptic encephalopathy, 9. Last evaluated: 2024-09-21. Review status: criteria provided, single submitter. Criteria: ACMG Guidelines, 2015. Collection method: clinical testing. Allele origin: germline. Inheritance: X-linked inheritance. Affected: yes.
Comment: Based on the classification scheme VCGS_Germline_v1.3.4, this variant is classified as Likely pathogenic. Following criteria are met: 0102 - Loss of function is a known mechanism of disease in this gene and is associated with X-linked developmental and epileptic encephalopathy 9 (MIM#300088). (I) 0110 - This gene is associated with X-linked dominant disease. Heterozygous females and mosaic males are affected, however hemizygous males do not present with symptoms (PMID: 28669061). (I) 0200 - Variant is predicted to result in a missense amino acid change from glycine to valine. (I) 0251 - This variant is heterozygous. (I) 0301 - Variant is absent from gnomAD (both v2 and v3). (SP) 0501 - Missense variant consistently predicted to be damaging by multiple in silico tools or highly conserved with a major amino acid change. (SP) 0600 - Variant is located in the annotated Cadherin domain (DECIPHER). (I) 0704 - Other variants comparable to the one identified in this case, p.(Gly513Arg) and p.(Gly513Asp), have limited previous evidence for pathogenicity (Clinvar). (SP) 0809 - Previous evidence of pathogenicity for this variant is inconclusive. This variant has been reported once as a VUS in ClinVar. (I) 0905 - No published segregation evidence has been identified for this variant. (I) 1007 - No published functional evidence has been identified for this variant. (SP) Legend: (SP) - Supporting pathogenic, (I) - Information, (SB) - Supporting benign

Labcorp Genetics (formerly Invitae), Labcorp
Classification: Uncertain significance for Developmental and epileptic encephalopathy, 9. Last evaluated: 2022-08-09. Review status: criteria provided, single submitter. Criteria: Invitae Variant Classification Sherloc (09022015). Collection method: clinical testing. Allele origin: germline.
Comment: Advanced modeling of protein sequence and biophysical properties (such as structural, functional, and spatial information, amino acid conservation, physicochemical variation, residue mobility, and thermodynamic stability) performed at Invitae indicates that this missense variant is expected to disrupt PCDH19 protein function. In summary, the available evidence is currently insufficient to determine the role of this variant in disease. Therefore, it has been classified as a Variant of Uncertain Significance. ClinVar contains an entry for this variant (Variation ID: 955905). This sequence change replaces glycine, which is neutral and non-polar, with valine, which is neutral and non-polar, at codon 513 of the PCDH19 protein (p.Gly513Val). This variant is not present in population databases (gnomAD no frequency). This variant has not been reported in the literature in individuals affected with PCDH19-related conditions.

Literature cited by the submitters: PubMed 28669061 (cited by Victorian Clinical Genetics Services, Murdoch Childrens Research Institute).